The following is an entry in ClinVar:

ClinVar aggregate classification (germline): Uncertain significance. Review status: criteria provided, multiple submitters, no conflicts (2 of 4 stars). 5 submissions from 5 submitters: Uncertain significance (5). Last evaluated 2023-12-18.

Conditions:
Central core myopathy (CMYO1A). Also called: CONGENITAL MYOPATHY 1A, AUTOSOMAL DOMINANT, WITH SUSCEPTIBILITY TO MALIGNANT HYPERTHERMIA; Central core disease; Myopathy, central fibrillar. Identifiers: Orphanet 597, MedGen C5830701, MONDO:0007294, OMIM 117000.
Congenital myopathy with fiber type disproportion. Also called: Congenital fiber-type disproportion myopathy; Congenital fiber-type disproportion. Identifiers: Orphanet 2020, MedGen C0546264, MONDO:0009711. Inheritance: all.
King Denborough syndrome (KDS). Identifiers: MedGen C1840365, MONDO:0020485, OMIM 619542.
Malignant hyperthermia, susceptibility to, 1 (MHS1). Also called: RYR1-Related Malignant Hyperthermia Susceptibility; Anesthesia related hyperthermia; Malignant hyperpyrexia; Fulminating hyperpyrexia; Pharmacogenic myopathy; Malignant hyperthermia suceptibility 1. Identifiers: Orphanet 423, MedGen C2930980, MONDO:0007783, OMIM 145600.
Congenital multicore myopathy with external ophthalmoplegia (CMYO1B). Also called: Congenital myopathy 1B, autosomal recessive; Minicore myopathy; MULTIMINICORE DISEASE WITH EXTERNAL OPHTHALMOPLEGIA; Minicore myopathy with external ophthalmoplegia; MULTICORE MYOPATHY. Identifiers: Orphanet 598, Orphanet 98905, MedGen C1850674, MONDO:0009712, OMIM 255320, HP:0003789.
RYR1-related disorder. Also called: RYR1-related condition; RYR1-related disorders. Identifiers: MedGen CN239331.

Allele frequency attached by ClinVar (database versions not stated): ExAC 0.00001; gnomAD exomes 0.00001; TOPMed 0.00001; gnomAD 0.00002.
gnomAD v4.1: 19 of 1,607,088 alleles (0.0012%); highest among the groups gnomAD compares: Non-Finnish European, 0.0016%; no homozygotes.

Submissions (5):

All of Us Research Program, National Institutes of Health
Classification: Uncertain significance for Malignant hyperthermia, susceptibility to, 1. Last evaluated: 2023-12-18. Review status: criteria provided, single submitter. Criteria: ACMG Guidelines, 2015. Collection method: clinical testing. Allele origin: germline. Inheritance: Autosomal dominant inheritance. Observed: 6 variant alleles, 6 heterozygotes.
Comment: This missense variant replaces asparagine with aspartic acid at codon 3428 of the RYR1 protein. Computational prediction suggests that this variant may not impact protein structure and function (internally defined REVEL score threshold <= 0.5, PMID: 27666373). To our knowledge, functional studies have not been reported for this variant. This variant has not been reported in individuals affected with RYR1-related disorders in the literature. This variant has been identified in 5/271200 chromosomes in the general population by the Genome Aggregation Database (gnomAD). The available evidence is insufficient to determine the role of this variant in disease conclusively. Therefore, this variant is classified as a Variant of Uncertain Significance.

This study involves interpretation of variants in research participants for the purpose of population health screening. Participant phenotype was not available at the time of variant classification. Additional details can be found in publication PMID: 35346344, PMCID: PMC8962531

Color Diagnostics, LLC DBA Color Health
Classification: Uncertain significance for Malignant hyperthermia, susceptibility to, 1. Last evaluated: 2023-12-06. Review status: criteria provided, single submitter. Criteria: ACMG Guidelines, 2015. Collection method: clinical testing. Allele origin: germline.
Comment: This missense variant replaces asparagine with aspartic acid at codon 3428 of the RYR1 protein. Computational prediction suggests that this variant may not impact protein structure and function. To our knowledge, functional studies have not been reported for this variant. This variant has not been reported in individuals affected with RYR1-related disorders in the literature. This variant has been identified in 5/271200 chromosomes in the general population by the Genome Aggregation Database (gnomAD). The available evidence is insufficient to determine the role of this variant in disease conclusively. Therefore, this variant is classified as a Variant of Uncertain Significance.

Fulgent Genetics
Classification: Uncertain significance for Central core myopathy; Malignant hyperthermia, susceptibility to, 1; Congenital myopathy 4A, autosomal dominant; Congenital multicore myopathy with external ophthalmoplegia; King Denborough syndrome. Last evaluated: 2021-09-07. Review status: criteria provided, single submitter. Criteria: ACMG Guidelines, 2015. Collection method: clinical testing. Allele origin: unknown.

Labcorp Genetics (formerly Invitae), Labcorp
Classification: Uncertain significance for RYR1-related disorder. Last evaluated: 2021-08-27. Review status: criteria provided, single submitter. Criteria: Invitae Variant Classification Sherloc (09022015). Collection method: clinical testing. Allele origin: germline.
Comment: This sequence change replaces asparagine with aspartic acid at codon 3428 of the RYR1 protein (p.Asn3428Asp). The asparagine residue is moderately conserved and there is a small physicochemical difference between asparagine and aspartic acid. This variant is present in population databases (rs763976533, ExAC 0.003%). This variant has not been reported in the literature in individuals affected with RYR1-related conditions. Algorithms developed to predict the effect of missense changes on protein structure and function output the following: SIFT: "Tolerated"; PolyPhen-2: "Benign"; Align-GVGD: "Class C0". The aspartic acid amino acid residue is found in multiple mammalian species, which suggests that this missense change does not adversely affect protein function. In summary, the available evidence is currently insufficient to determine the role of this variant in disease. Therefore, it has been classified as a Variant of Uncertain Significance.

GeneDx
Classification: Uncertain significance. Last evaluated: 2019-05-09. Review status: criteria provided, single submitter. Criteria: GeneDx Variant Classification Process June 2021. Collection method: clinical testing. Allele origin: germline. Affected: yes.
Comment: Has not been previously published as pathogenic or benign to our knowledge; Not observed at a significant frequency in large population cohorts (Lek et al., 2016); In silico analysis, which includes protein predictors and evolutionary conservation, supports that this variant does not alter protein structure/function

NM_000540.3(RYR1):c.10282A>G (p.Asn3428Asp)

Gene: RYR1 (ryanodine receptor 1; plus strand). Cytogenetic location: 19q13.2.
Variant type: single nucleotide variant.
Coding change: c.10282A>G on transcript NM_000540.3 (MANE Select); coding-DNA position 10282, A replaced by G.
Protein change: p.Asn3428Asp; replaces asparagine 3428 with aspartic acid.
Molecular consequence: missense variant.
Genome position (GRCh38, 1-based): chr19:38,523,050, A>G. VCF-style: chr19-38523050-A-G. GRCh37 (hg19) VCF-style: chr19-39013690-A-G.
Other names: c.10282A>G, p.Asn3428Asp (NM_001042723.2); short protein forms N3428D.
Identifiers: ClinVar variation 568407 (VCV000568407.10), dbSNP rs763976533, ClinGen allele CA053024.
Genomic context (GRCh38, chr19:38,523,050, plus strand): 5'-CCCCACCCCCTCCCTCACCTCCCCTCCGCTGACCCCAGGGCGCAGTGGCTGACGGAGCCG[A>G]ATCCCAGCGCGGAGGAGCTGTTCAGGATGGTGGGCGAGATCTTCATCTACTGGTCCAAGT-3'
Protein context (NP_000531.2, residues 3418-3438): NNRAQWLTEP[Asn3428Asp]PSAEELFRMV